The following is an entry in ClinVar:

ClinVar aggregate classification (germline): Likely benign. Review status: criteria provided, multiple submitters, no conflicts (2 of 4 stars). 2 submissions from 2 submitters: Likely benign (2). Last evaluated 2025-01-21.

Conditions:
CREBBP-related disorder. Also called: CREBBP-related condition; CREBBP-related disorders.
Rubinstein-Taybi syndrome (RSTS). Identifiers: Orphanet 783, MedGen C0035934, MONDO:0019188.

gnomAD v4.1: 2 of 1,611,330 alleles (0.00012%); highest among the groups gnomAD compares: Non-Finnish European, 0.00017%; no homozygotes.

Submissions (2):

PreventionGenetics, part of Exact Sciences
Classification: Likely benign for CREBBP-related condition. Last evaluated: 2025-01-21. Review status: criteria provided, single submitter. Criteria: ACMG Guidelines, 2015. Collection method: clinical testing. Allele origin: germline.
Comment: This variant is classified as likely benign based on ACMG/AMP sequence variant interpretation guidelines (Richards et al. 2015 PMID: 25741868, with internal and published modifications).

Labcorp Genetics (formerly Invitae), Labcorp
Classification: Likely benign for Rubinstein-Taybi syndrome. Last evaluated: 2023-05-31. Review status: criteria provided, single submitter. Criteria: Invitae Variant Classification Sherloc (09022015). Collection method: clinical testing. Allele origin: germline.

NM_004380.3(CREBBP):c.5334G>T (p.Ser1778=)

Gene: CREBBP (CREB binding lysine acetyltransferase; minus strand). Cytogenetic location: 16p13.3.
Variant type: single nucleotide variant.
Coding change: c.5334G>T on transcript NM_004380.3 (MANE Select); coding-DNA position 5334, G replaced by T.
Protein change: p.Ser1778=; no amino-acid change (serine 1778 retained).
Molecular consequence: synonymous variant.
Genome position (GRCh38, 1-based): chr16:3,729,713, C>A on the plus strand (G>T on the coding strand, the complement: CREBBP is on the minus strand). VCF-style: chr16-3729713-C-A. GRCh37 (hg19) VCF-style: chr16-3779714-C-A.
Other names: c.5334G>T (NM_004380.2); c.5220G>T, p.Ser1740= (NM_001079846.1).
Identifiers: ClinVar variation 2917240 (VCV002917240.4), dbSNP rs201062642, ClinGen allele CA493394200.